The following is an entry in ClinVar:

NM_015488.5(PNKD):c.1006G>T (p.Glu336Ter)

Genes: CATIP-AS2 (CATIP antisense RNA 2; minus strand), PNKD (PNKD metallo-beta-lactamase domain containing; plus strand). Cytogenetic location: 2q35.
Variant type: single nucleotide variant.
Coding change: c.1006G>T on transcript NM_015488.5 (MANE Select); coding-DNA position 1006, G replaced by T.
Protein change: p.Glu336Ter; replaces glutamic acid 336 with a stop codon.
Molecular consequence: nonsense.
Genome position (GRCh38, 1-based): chr2:218,344,829, G>T. VCF-style: chr2-218344829-G-T. GRCh37 (hg19) VCF-style: chr2-219209552-G-T.
Other names: c.934G>T, p.Glu312Ter (NM_022572.5); short protein forms E312*, E336*.
Identifiers: ClinVar variation 1380333 (VCV001380333.6), dbSNP rs754136722, ClinGen allele CA2104187.
Genomic context (GRCh38, chr2:218,344,829, plus strand): 5'-CAGCTTCTCTCCACCAAACCTGGTTCCTCTCACCCACAGTGCCCATCTACCCTGGGAGAG[G>T]AGCGCTCCTACAACCCGTTCCTGAGAACCCACTGCCTGGCGCTACAGGAGGCTCTGGGGC-3'

ClinVar aggregate classification (germline): Uncertain significance (1 of 4 stars; one submission).

Conditions:
Paroxysmal nonkinesigenic dyskinesia. Also called: Paroxysmal non-kinesigenic dyskinesia. Identifiers: Orphanet 98810, MedGen C1869117, MONDO:0700088.

Allele frequency attached by ClinVar (database versions not stated): gnomAD exomes 0.00001; ExAC 0.00002.
gnomAD v4.1: 3 of 1,613,936 alleles (0.00019%); highest among the groups gnomAD compares: Non-Finnish European, 0.00025%; no homozygotes.

Submission:

Labcorp Genetics (formerly Invitae), Labcorp
Classification: Uncertain significance for Paroxysmal nonkinesigenic dyskinesia. Last evaluated: 2021-09-09. Review status: criteria provided, single submitter. Criteria: Invitae Variant Classification Sherloc (09022015). Collection method: clinical testing. Allele origin: germline.
Comment: This sequence change creates a premature translational stop signal (p.Glu336*) in the PNKD gene. While this is not anticipated to result in nonsense mediated decay, it is expected to disrupt the last 50 amino acid(s) of the PNKD protein. This variant is present in population databases (rs754136722, ExAC 0.003%). In summary, the available evidence is currently insufficient to determine the role of this variant in disease. Therefore, it has been classified as a Variant of Uncertain Significance. This variant has not been reported in the literature in individuals affected with PNKD-related conditions.